The following is an entry in ClinVar:

ClinVar aggregate classification (germline): Benign (1 of 4 stars; one submission).

Allele frequency attached by ClinVar (database versions not stated): gnomAD exomes 0.01964; gnomAD 0.02480.
gnomAD v4.1: 14,274 of 715,948 alleles (2%); highest among the groups gnomAD compares: Admixed American, 6.7%; 1,319 homozygotes.

Submission:

Unidad de Genómica Garrahan, Hospital de Pediatría Garrahan
Classification: Benign. Last evaluated: 2023-11-12. Review status: criteria provided, single submitter. Criteria: ACMG Guidelines, 2015. Collection method: clinical testing. Allele origin: germline. Affected: no. Observed: 29 variant alleles.
Comment: This variant is classified as Benign based on local population frequency. This variant was detected in 30% of patients studied by a panel of primary immunodeficiencies. Number of patients: 29. Only high quality variants are reported.

NM_001243133.2(NLRP3):c.2322-99C>T

Gene: NLRP3 (NLR family pyrin domain containing 3; plus strand). Cytogenetic location: 1q44.
Variant type: single nucleotide variant.
Coding change: c.2322-99C>T on transcript NM_001243133.2 (MANE Select); 99 bases into the intron before coding-DNA position 2322, C replaced by T.
Molecular consequence: intron variant.
Genome position (GRCh38, 1-based): chr1:247,434,004, C>T. VCF-style: chr1-247434004-C-T. GRCh37 (hg19) VCF-style: chr1-247597306-C-T.
Other names: c.2328-99C>T (NM_004895.5); c.2322-99C>T (NM_001127461.3, NM_001079821.3); c.2151-99C>T (NM_001127462.3, NM_183395.3).
Identifiers: ClinVar variation 2628241 (VCV002628241.2), dbSNP rs10925020, ClinGen allele CA40703551.